The following is an entry in ClinVar:

NM_000293.3(PHKB):c.1265del (p.Asn422fs)

Gene: PHKB (phosphorylase kinase regulatory subunit beta; plus strand). Cytogenetic location: 16q12.1.
Variant type: Deletion.
Coding change: c.1265del on transcript NM_000293.3 (MANE Select); coding-DNA position 1265, one base deleted (A; older notation c.1265delA).
Protein change: p.Asn422fs; shifts the reading frame from asparagine 422.
Molecular consequence: frameshift variant.
Genome position (GRCh38, 1-based): chr16:47,596,433, A deleted; the last of 7 consecutive A bases (chr16:47,596,427-47,596,433); deleting any one gives the same sequence. VCF-style (leftmost placement, unchanged base first): chr16-47596426-GA-G. GRCh37 (hg19) VCF-style: chr16-47630337-GA-G.
Other names: c.1244del, p.Asn415fs (NM_001031835.3); c.1265del, p.Asn422fs (NM_001363837.1); short protein forms N415fs, N422fs.
Identifiers: ClinVar variation 2997601 (VCV002997601.3), dbSNP rs1454293516, ClinGen allele CA495073112.

ClinVar aggregate classification (germline): Pathogenic (1 of 4 stars; one submission).

Conditions:
Glycogen storage disease IXb (GSD9B). Also called: PHOSPHORYLASE KINASE DEFICIENCY OF LIVER AND MUSCLE, AUTOSOMAL RECESSIVE; GLYCOGENOSIS OF LIVER AND MUSCLE, AUTOSOMAL RECESSIVE; GSD IXb. Identifiers: Orphanet 79240, MedGen C0543514, MONDO:0009868, OMIM 261750.

Submission:

Labcorp Genetics (formerly Invitae), Labcorp
Classification: Pathogenic for Glycogen storage disease IXb. Last evaluated: 2023-08-19. Review status: criteria provided, single submitter. Criteria: Invitae Variant Classification Sherloc (09022015). Collection method: clinical testing. Allele origin: germline.
Comment: This variant is not present in population databases (gnomAD no frequency). For these reasons, this variant has been classified as Pathogenic. This variant has not been reported in the literature in individuals affected with PHKB-related conditions. This sequence change creates a premature translational stop signal (p.Asn422Ilefs*52) in the PHKB gene. It is expected to result in an absent or disrupted protein product. Loss-of-function variants in PHKB are known to be pathogenic (PMID: 9215682, 9326319).

Literature cited by the submitters: PubMed 9215682; PubMed 9326319.